The following is an entry in ClinVar:

NM_000435.3(NOTCH3):c.6130T>C (p.Cys2044Arg)

Gene: NOTCH3 (notch receptor 3; minus strand). Cytogenetic location: 19p13.12.
Variant type: single nucleotide variant.
Coding change: c.6130T>C on transcript NM_000435.3 (MANE Select); coding-DNA position 6130, T replaced by C.
Protein change: p.Cys2044Arg; replaces cysteine 2044 with arginine.
Molecular consequence: missense variant.
Genome position (GRCh38, 1-based): chr19:15,161,498, A>G on the plus strand (T>C on the coding strand, the complement: NOTCH3 is on the minus strand). VCF-style: chr19-15161498-A-G. GRCh37 (hg19) VCF-style: chr19-15272309-A-G.
Other names: short protein forms C2044R.
Identifiers: ClinVar variation 1304924 (VCV001304924.2), dbSNP rs2046642679, ClinGen allele CA404490345.

ClinVar aggregate classification (germline): Uncertain significance (1 of 4 stars; one submission).

Allele frequency attached by ClinVar (database versions not stated): TOPMed below 0.00001; gnomAD 0.00001.

Submission:

GeneDx
Classification: Uncertain significance. Last evaluated: 2019-11-14. Review status: criteria provided, single submitter. Criteria: GeneDx Variant Classification Process June 2021. Collection method: clinical testing. Allele origin: germline. Affected: yes.
Comment: Not observed in large population cohorts (Lek et al., 2016); In silico analysis, which includes protein predictors and evolutionary conservation, supports a deleterious effect; Has not been previously published as pathogenic or benign to our knowledge